The following is an entry in ClinVar:

NM_052867.4(NALCN):c.1100A>G (p.Asn367Ser)

Gene: NALCN (sodium leak channel, non-selective; minus strand). Cytogenetic location: 13q33.1.
Variant type: single nucleotide variant.
Coding change: c.1100A>G on transcript NM_052867.4 (MANE Select); coding-DNA position 1100, A replaced by G.
Protein change: p.Asn367Ser; replaces asparagine 367 with serine.
Molecular consequence: missense variant. On other transcripts: intron variant (2).
Genome position (GRCh38, 1-based): chr13:101,283,967, T>C on the plus strand (A>G on the coding strand, the complement: NALCN is on the minus strand). VCF-style: chr13-101283967-T-C. GRCh37 (hg19) VCF-style: chr13-101936318-T-C.
Other names: c.1100A>G, p.Asn367Ser (NM_001350748.2, NM_001350749.2); c.1047+8023A>G (NM_001350751.2, NM_001350750.2); short protein forms N367S.
Identifiers: ClinVar variation 2852506 (VCV002852506.3), dbSNP rs1258522527, ClinGen allele CA388704060.

ClinVar aggregate classification (germline): Uncertain significance (1 of 4 stars; one submission).

gnomAD v4.1: 1 of 1,613,774 alleles (0.000062%); highest among the groups gnomAD compares: Non-Finnish European, 0.000085%; no homozygotes.

Submission:

Labcorp Genetics (formerly Invitae), Labcorp
Classification: Uncertain significance. Last evaluated: 2024-09-05. Review status: criteria provided, single submitter. Criteria: Invitae Variant Classification Sherloc (09022015). Collection method: clinical testing. Allele origin: germline.
Comment: This sequence change replaces asparagine, which is neutral and polar, with serine, which is neutral and polar, at codon 367 of the NALCN protein (p.Asn367Ser). This variant is not present in population databases (gnomAD no frequency). This variant has not been reported in the literature in individuals affected with NALCN-related conditions. Invitae Evidence Modeling of protein sequence and biophysical properties (such as structural, functional, and spatial information, amino acid conservation, physicochemical variation, residue mobility, and thermodynamic stability) indicates that this missense variant is not expected to disrupt NALCN protein function with a negative predictive value of 80%. In summary, the available evidence is currently insufficient to determine the role of this variant in disease. Therefore, it has been classified as a Variant of Uncertain Significance.